The following is an entry in ClinVar:

NM_000186.4(CFH):c.2625G>C (p.Gln875His)

Gene: CFH (complement factor H; plus strand). Cytogenetic location: 1q31.3.
Variant type: single nucleotide variant.
Coding change: c.2625G>C on transcript NM_000186.4 (MANE Select); coding-DNA position 2625, G replaced by C.
Protein change: p.Gln875His; replaces glutamine 875 with histidine.
Molecular consequence: missense variant.
Genome position (GRCh38, 1-based): chr1:196,737,503, G>C. VCF-style: chr1-196737503-G-C. GRCh37 (hg19) VCF-style: chr1-196706633-G-C.
Other names: short protein forms Q875H.
Identifiers: ClinVar variation 4291494 (VCV004291494.1).

ClinVar aggregate classification (germline): Uncertain significance (1 of 4 stars; one submission).

Conditions:
Age related macular degeneration 4. Identifiers: MedGen C1853147, MONDO:0012540, OMIM 610698.

gnomAD v4.1: 4 of 1,613,024 alleles (0.00025%); highest among the groups gnomAD compares: Non-Finnish European, 0.00034%; no homozygotes.

Submission:

Genomenon, Inc
Classification: Uncertain significance for Age related macular degeneration 4. Last evaluated: 2025-10-02. Review status: criteria provided, single submitter. Criteria: Genomenon Sequence Variant Interpretation Standards - Updated. Collection method: curation. Allele origin: germline. Affected: yes.
Comment: CFH p.Gln875His (c.2625G>C) is a missense variant that changes the amino acid at residue 875 from Glutamine to Histidine. This variant has been observed in at least one proband affected with age-related macular degeneration (PMID:34508573). It is absent or not present at a significant frequency in gnomAD. In silico models agree that this variant is not damaging. In conclusion, we classify CFH p.Gln875His (c.2625G>C) as a variant of uncertain significance.

Literature cited by the submitters: PubMed 34508573.